The following is an entry in ClinVar:

ClinVar aggregate classification (germline): Pathogenic (1 of 4 stars; one submission).

Conditions:
Cardiovascular phenotype. Identifiers: MedGen CN230736.

Submission:

Ambry Genetics
Classification: Pathogenic for Cardiovascular phenotype. Last evaluated: 2024-05-10. Review status: criteria provided, single submitter. Criteria: Ambry Variant Classification Scheme 2023. Collection method: clinical testing. Allele origin: germline.
Comment: The c.340delG pathogenic mutation, located in coding exon 3 of the DSP gene, results from a deletion of one nucleotide at nucleotide position 340, causing a translational frameshift with a predicted alternate stop codon (p.A114Pfs*11). Alterations in DSP that result in haploinsufficiency or protein truncation have been reported in patients with arrhythmogenic right ventricular cardiomyopathy (ARVC) and dilated cardiomyopathy (DCM) (Fressart V et al. Europace.2010;12(6):861-8; Elliott P et al. Circ Cardiovasc Genet. 2010;3(4):314-22; Quarta G et al. Circulation. 2011;123(23):2701-9; Garcia-Pavia P et al. Heart. 2011;97(21):1744-52; Rasmussen TB et al. Clin Genet.2013;84(1):20-30; Pugh TJ et al.Genet Med.2014;16(8):601-8). This variant is considered to be rare based on population cohorts in the Genome Aggregation Database (gnomAD). This alteration is expected to result in loss of function by premature protein truncation or nonsense-mediated mRNA decay. Based on the supporting evidence, this variant is interpreted as a disease-causing mutation.

NM_004415.4(DSP):c.340del (p.Ala114fs)

Gene: DSP (desmoplakin; plus strand). Cytogenetic location: 6p24.3.
Variant type: Deletion.
Coding change: c.340del on transcript NM_004415.4 (MANE Select); coding-DNA position 340, one base deleted (G; older notation c.340delG).
Protein change: p.Ala114fs; shifts the reading frame from alanine 114.
Molecular consequence: frameshift variant.
Genome position (GRCh38, 1-based): chr6:7,558,182, G deleted; the last of 2 consecutive G bases (chr6:7,558,181-7,558,182); deleting either gives the same sequence. VCF-style (leftmost placement, unchanged base first): chr6-7558180-AG-A. GRCh37 (hg19) VCF-style: chr6-7558413-AG-A.
Other names: c.340del, p.Ala114fs (NM_001008844.3, NM_001319034.2, NM_001406591.1); short protein forms A114fs.
Identifiers: ClinVar variation 3273894 (VCV003273894.1).
Genomic context (GRCh38, chr6:7,558,180, plus strand): 5'-TGAAGTATGGAGATGGAATACAACTGACTCGGAGTCGAGAATTGGATGAGTGTTTTGCCC[AG>A]GCCAATGACCAAATGGAAATCCTCGACAGCTTGATCAGAGAGATGCGGCAGATGGGCCAG-3'